The following is an entry in ClinVar:

ClinVar aggregate classification (germline): Uncertain significance (1 of 4 stars; one submission).

Conditions:
Primary ciliary dyskinesia 5. Also called: CILIARY DYSKINESIA, PRIMARY, 5, WITHOUT SITUS INVERSUS. Identifiers: Orphanet 244, MedGen C1837615, MONDO:0012088, OMIM 608647.

Submission:

Royal Brompton Clinical Genetics And Genomics Laboratory, NHS South East Genomic Laboratory Hub
Classification: Uncertain significance for Primary ciliary dyskinesia 5. Last evaluated: 2024-03-06. Review status: criteria provided, single submitter. Criteria: RBHT-CGGL ClinVar Assertion Criteria. Collection method: clinical testing. Allele origin: germline. Affected: yes. Observed: 1 variant allele.
Comment: 2 siblings Compound heterozygous with VUS NM_001270974.2:c.1949G>A

NM_001270974.2(HYDIN):c.3640A>G (p.Ile1214Val)

Gene: HYDIN (HYDIN axonemal central pair apparatus protein; minus strand). Cytogenetic location: 16q22.2.
Variant type: single nucleotide variant.
Coding change: c.3640A>G on transcript NM_001270974.2 (MANE Select); coding-DNA position 3640, A replaced by G.
Protein change: p.Ile1214Val; replaces isoleucine 1214 with valine.
Molecular consequence: missense variant.
Genome position (GRCh38, 1-based): chr16:71,018,133, T>C on the plus strand (A>G on the coding strand, the complement: HYDIN is on the minus strand). VCF-style: chr16-71018133-T-C. GRCh37 (hg19) VCF-style: chr16-71052036-T-C.
Other names: short protein forms I1214V.
Identifiers: ClinVar variation 3027491 (VCV003027491.1), dbSNP rs2507250315, ClinGen allele CA396621613.